The following is an entry in ClinVar:

ClinVar aggregate classification (germline): Uncertain significance (1 of 4 stars; one submission).

Conditions:
Propionic acidemia (PROP). Also called: GLYCINEMIA, KETOTIC; HYPERGLYCINEMIA WITH KETOACIDOSIS AND LEUKOPENIA; KETOTIC HYPERGLYCINEMIA. Identifiers: Orphanet 35, MedGen C0268579, MONDO:0011628, OMIM 606054, HP:0003571.

Submission:

Labcorp Genetics (formerly Invitae), Labcorp
Classification: Uncertain significance for Propionic acidemia. Last evaluated: 2023-12-20. Review status: criteria provided, single submitter. Criteria: Invitae Variant Classification Sherloc (09022015). Collection method: clinical testing. Allele origin: germline.
Comment: This sequence change replaces leucine, which is neutral and non-polar, with proline, which is neutral and non-polar, at codon 74 of the PCCB protein (p.Leu74Pro). This variant is not present in population databases (gnomAD no frequency). This missense change has been observed in individual(s) with clinical features of propionic acidemia (Invitae). Advanced modeling of protein sequence and biophysical properties (such as structural, functional, and spatial information, amino acid conservation, physicochemical variation, residue mobility, and thermodynamic stability) performed at Invitae indicates that this missense variant is expected to disrupt PCCB protein function with a positive predictive value of 80%. In summary, the available evidence is currently insufficient to determine the role of this variant in disease. Therefore, it has been classified as a Variant of Uncertain Significance.

NM_000532.5(PCCB):c.221T>C (p.Leu74Pro)

Gene: PCCB (propionyl-CoA carboxylase subunit beta; plus strand). Cytogenetic location: 3q22.3.
Variant type: single nucleotide variant.
Coding change: c.221T>C on transcript NM_000532.5 (MANE Select); coding-DNA position 221, T replaced by C.
Protein change: p.Leu74Pro; replaces leucine 74 with proline.
Molecular consequence: missense variant.
Genome position (GRCh38, 1-based): chr3:136,255,893, T>C. VCF-style: chr3-136255893-T-C. GRCh37 (hg19) VCF-style: chr3-135974735-T-C.
Other names: c.221T>C, p.Leu74Pro (NM_001178014.2); short protein forms L74P.
Identifiers: ClinVar variation 2800689 (VCV002800689.3), dbSNP rs2529748402, ClinGen allele CA354738430.
Genomic context (GRCh38, chr3:136,255,893, plus strand): 5'-GAGTGATCTTTGTTCCATTGTAGGGAAAGCTAACAGCCAGGGAGAGGATCAGTCTCTTGC[T>C]GGACCCTGGCAGCTTTGTTGAGAGCGACATGTTTGTGGAACACAGATGTGCAGATTTTGG-3'
Protein context (NP_000523.2, residues 64-84): LTARERISLL[Leu74Pro]DPGSFVESDM